The following is an entry in ClinVar:

ClinVar aggregate classification (germline): Uncertain significance. Review status: criteria provided, multiple submitters, no conflicts (2 of 4 stars). 2 submissions from 2 submitters: Uncertain significance (2). Last evaluated 2025-04-29.

Conditions:
Inborn genetic diseases. Identifiers: MedGen C0950123, MeSH D030342.
Mosaic variegated aneuploidy syndrome 2 (MVA2). Identifiers: Orphanet 1052, MedGen C3279843, MONDO:0013582, OMIM 614114.

Allele frequency attached by ClinVar (database versions not stated): TOPMed below 0.00001; gnomAD exomes below 0.00001.
gnomAD v4.1: 2 of 1,612,700 alleles (0.00012%); highest among the groups gnomAD compares: Admixed American, 0.0033%; no homozygotes.

Submissions (2):

Ambry Genetics
Classification: Uncertain significance for Inborn genetic diseases. Last evaluated: 2025-04-29. Review status: criteria provided, single submitter. Criteria: Ambry Variant Classification Scheme 2023. Collection method: clinical testing. Allele origin: germline.
Comment: The p.Q168L variant (also known as c.503A>T), located in coding exon 4 of the CEP57 gene, results from an A to T substitution at nucleotide position 503. The glutamine at codon 168 is replaced by leucine, an amino acid with dissimilar properties. This amino acid position is conserved. In addition, this alteration is predicted to be tolerated by in silico analysis. Based on the available evidence, the clinical significance of this variant remains unclear.

Labcorp Genetics (formerly Invitae), Labcorp
Classification: Uncertain significance for Mosaic variegated aneuploidy syndrome 2. Last evaluated: 2017-10-10. Review status: criteria provided, single submitter. Criteria: Invitae Variant Classification Sherloc (09022015). Collection method: clinical testing. Allele origin: germline.
Comment: In summary, the available evidence is currently insufficient to determine the role of this variant in disease. Therefore, it has been classified as a Variant of Uncertain Significance. Algorithms developed to predict the effect of missense changes on protein structure and function (SIFT, PolyPhen-2, Align-GVGD) all suggest that this variant is likely to be disruptive, but these predictions have not been confirmed by published functional studies and their clinical significance is uncertain. This variant has not been reported in the literature in individuals with CEP57-related disease. This variant is not present in population databases (ExAC no frequency). This sequence change replaces glutamine with leucine at codon 168 of the CEP57 protein (p.Gln168Leu). The glutamine residue is highly conserved and there is a moderate physicochemical difference between glutamine and leucine.

NM_014679.5(CEP57):c.503A>T (p.Gln168Leu)

Gene: CEP57 (centrosomal protein 57; plus strand). Cytogenetic location: 11q21.
Variant type: single nucleotide variant.
Coding change: c.503A>T on transcript NM_014679.5 (MANE Select); coding-DNA position 503, A replaced by T.
Protein change: p.Gln168Leu; replaces glutamine 168 with leucine.
Molecular consequence: missense variant.
Genome position (GRCh38, 1-based): chr11:95,813,588, A>T. VCF-style: chr11-95813588-A-T. GRCh37 (hg19) VCF-style: chr11-95546752-A-T.
Other names: c.476A>T, p.Gln159Leu (NM_001243776.2); c.503A>T, p.Gln168Leu (NM_001243777.2); c.422A>T, p.Gln141Leu (NM_001363604.2); short protein forms Q168L, Q141L, Q159L.
Identifiers: ClinVar variation 539582 (VCV000539582.9), dbSNP rs1433730979, ClinGen allele CA382422367.